The following is an entry in ClinVar:

ClinVar aggregate classification (germline): Pathogenic/Likely pathogenic. Review status: criteria provided, multiple submitters, no conflicts (2 of 4 stars). 2 submissions from 2 submitters: Pathogenic (1); Likely pathogenic (1). Last evaluated 2023-11-22.

Conditions:
COL4A3-related disorder. Also called: COL4A3-related condition; COL4A3-Related Disorders.

Submissions (2):

Labcorp Genetics (formerly Invitae), Labcorp
Classification: Pathogenic. Last evaluated: 2023-11-22. Review status: criteria provided, single submitter. Criteria: Invitae Variant Classification Sherloc (09022015). Collection method: clinical testing. Allele origin: germline.
Comment: This sequence change creates a premature translational stop signal (p.Pro370Hisfs*30) in the COL4A3 gene. It is expected to result in an absent or disrupted protein product. Loss-of-function variants in COL4A3 are known to be pathogenic (PMID: 8956999, 24854265, 26809805, 27281700). This variant is not present in population databases (gnomAD no frequency). This variant has not been reported in the literature in individuals affected with COL4A3-related conditions. For these reasons, this variant has been classified as Pathogenic.

Blueprint Genetics
Classification: Likely pathogenic for COL4A3-related disorders. Last evaluated: 2023-01-27. Review status: criteria provided, single submitter. Criteria: ACMG Guidelines, 2015. Collection method: clinical testing. Allele origin: germline. Affected: yes. Observed: 1 variant allele.

Literature cited by the submitters: PubMed 8956999 (cited by Labcorp Genetics (formerly Invitae), Labcorp); PubMed 24854265 (cited by Labcorp Genetics (formerly Invitae), Labcorp); PubMed 26809805 (cited by Labcorp Genetics (formerly Invitae), Labcorp); PubMed 27281700 (cited by Labcorp Genetics (formerly Invitae), Labcorp).

NM_000091.5(COL4A3):c.1109del (p.Pro370fs)

Genes: COL4A3 (collagen type IV alpha 3 chain; plus strand), MFF-DT (MFF divergent transcript; minus strand). Cytogenetic location: 2q36.3.
Variant type: Deletion.
Coding change: c.1109del on transcript NM_000091.5 (MANE Select); coding-DNA position 1109, one base deleted (C; older notation c.1109delC).
Protein change: p.Pro370fs; shifts the reading frame from proline 370.
Molecular consequence: frameshift variant.
Genome position (GRCh38, 1-based): chr2:227,259,872, C deleted; the last of 3 consecutive C bases (chr2:227,259,870-227,259,872); deleting any one gives the same sequence. VCF-style (leftmost placement, unchanged base first): chr2-227259869-GC-G. GRCh37 (hg19) VCF-style: chr2-228124585-GC-G.
Other names: short protein forms P370fs.
Identifiers: ClinVar variation 2984543 (VCV002984543.4), dbSNP rs2469607832, ClinGen allele CA2577264802.
Genomic context (GRCh38, chr2:227,259,869, plus strand): 5'-CATACCAGGAAAAGGGAGATGAAGGCACTCCAGGCCCACCAGGGCCCAGAGGAGCTCGTG[GC>G]CCACAAGGTAAGAATAAATTTCTTCCTAAAGCATTTGCTGAACATATTTCTGGCTTTCTT-3'